The following is an entry in ClinVar:

ClinVar aggregate classification (germline): Uncertain significance (1 of 4 stars; one submission).

Allele frequency attached by ClinVar (database versions not stated): gnomAD exomes below 0.00001.
gnomAD v4.1: 1 of 1,613,690 alleles (0.000062%); highest among the groups gnomAD compares: Non-Finnish European, 0.000085%; no homozygotes.

Submission:

Ambry Genetics
Classification: Uncertain significance. Last evaluated: 2022-03-30. Review status: criteria provided, single submitter. Criteria: Ambry Variant Classification Scheme 2023. Collection method: clinical testing. Allele origin: germline.
Comment: The p.I251M variant (also known as c.753A>G), located in coding exon 7 of the RAD54L gene, results from an A to G substitution at nucleotide position 753. The isoleucine at codon 251 is replaced by methionine, an amino acid with highly similar properties. This amino acid position is conserved. In addition, the in silico prediction for this alteration is inconclusive. Since supporting evidence is limited at this time, the clinical significance of this alteration remains unclear.

NM_003579.4(RAD54L):c.753A>G (p.Ile251Met)

Gene: RAD54L (RAD54 like; plus strand). Cytogenetic location: 1p34.1.
Variant type: single nucleotide variant.
Coding change: c.753A>G on transcript NM_003579.4 (MANE Select); coding-DNA position 753, A replaced by G.
Protein change: p.Ile251Met; replaces isoleucine 251 with methionine.
Molecular consequence: missense variant.
Genome position (GRCh38, 1-based): chr1:46,261,002, A>G. VCF-style: chr1-46261002-A-G. GRCh37 (hg19) VCF-style: chr1-46726674-A-G.
Other names: c.753A>G, p.Ile251Met (NM_001142548.2); c.213A>G, p.Ile71Met (NM_001370766.1); short protein forms I71M, I251M.
Identifiers: ClinVar variation 1759414 (VCV001759414.2), dbSNP rs2525670530, ClinGen allele CA340188011.
Genomic context (GRCh38, chr1:46,261,002, plus strand): 5'-GAAATGGCTCGGAGGGAGGATCCAACCTCTGGCCATCGATGGAGGATCTAAGGATGAAAT[A>G]GACCAAAAGCTGGGTACGGAGCCCTAACAAAGATGGCTGCACTCTCCTGCACAGCCTGCT-3'
Protein context (NP_003570.2, residues 241-261): LAIDGGSKDE[Ile251Met]DQKLEGFMNQ